The following is an entry in ClinVar:

NM_000550.3(TYRP1):c.1500G>A (p.Leu500=)

Genes: LURAP1L-AS1 (LURAP1L antisense RNA 1; minus strand), TYRP1 (tyrosinase related protein 1; plus strand). Cytogenetic location: 9p23.
Variant type: single nucleotide variant.
Coding change: c.1500G>A on transcript NM_000550.3 (MANE Select); coding-DNA position 1500, G replaced by A.
Protein change: p.Leu500=; no amino-acid change (leucine 500 retained).
Molecular consequence: synonymous variant.
Genome position (GRCh38, 1-based): chr9:12,709,068, G>A. VCF-style: chr9-12709068-G-A. GRCh37 (hg19) VCF-style: chr9-12709068-G-A.
Identifiers: ClinVar variation 198744 (VCV000198744.21), dbSNP rs34060600, ClinGen allele CA203583.
Genomic context (GRCh38, chr9:12,709,068, plus strand): 5'-CATAGCAGTAGTTGGCGCTTTGTTACTGGTTGCACTCATTTTTGGGACTGCTTCTTATCT[G>A]ATTCGTGCCAGACGCAGTATGGATGAAGCTAACCAGCCTCTCCTCACTGATCAGTATCAA-3'
Protein context (NP_000541.1, residues 490-510): VALIFGTASY[Leu500=]IRARRSMDEA

ClinVar aggregate classification (germline): Benign/Likely benign. Review status: criteria provided, multiple submitters, no conflicts (2 of 4 stars). 5 submissions from 5 submitters: Benign (2); Likely benign (3). Last evaluated 2026-02-02.

Conditions:
Oculocutaneous albinism type 3 (OCA3). Also called: Albinism, oculocutaneous, type III; Rufous OCA; Rufous albinism; XANTHISM; ALBINISM III; RUFOUS OCULOCUTANEOUS ALBINISM. Identifiers: Orphanet 79433, MedGen C0342683, MONDO:0008747, OMIM 203290.

Allele frequency attached by ClinVar (database versions not stated): 1000 Genomes Project 30x 0.00531; 1000 Genomes Project 0.00559; gnomAD 0.00644; ESP Exome Variant Server 0.00784; TOPMed 0.00801.
gnomAD v4.1: 2,072 of 1,612,766 alleles (0.13%); highest among the groups gnomAD compares: African/African-American, 2.5%; 31 homozygotes.

Submissions (5):

Labcorp Genetics (formerly Invitae), Labcorp
Classification: Benign. Last evaluated: 2026-02-02. Review status: criteria provided, single submitter. Criteria: Invitae Variant Classification Sherloc (09022015). Collection method: clinical testing. Allele origin: germline.

Illumina Laboratory Services, Illumina
Classification: Likely benign for Oculocutaneous albinism type 3. Last evaluated: 2018-01-13. Review status: criteria provided, single submitter. Criteria: ICSL Variant Classification Criteria 13 December 2019. Collection method: clinical testing. Allele origin: germline.
Comment: This variant was observed in the ICSL laboratory as part of a predisposition screen in an ostensibly healthy population. It had not been previously curated by ICSL or reported in the Human Gene Mutation Database (HGMD: prior to June 1st, 2018), and was therefore a candidate for classification through an automated scoring system. Utilizing variant allele frequency, disease prevalence and penetrance estimates, and inheritance mode, an automated score was calculated to assess if this variant is too frequent to cause the disease. Based on the score and internal cut-off values, a variant classified as likely benign is not then subjected to further curation. The score for this variant resulted in a classification of likely benign for this disease.

Eurofins Ntd Llc (ga)
Classification: Benign. Last evaluated: 2014-12-11. Review status: criteria provided, single submitter. Criteria: EGL Classification Definitions 2015. Collection method: clinical testing. Allele origin: germline. Observed: 1 variant allele, 1 heterozygote.

Breakthrough Genomics
Classification: Likely benign. Review status: criteria provided, single submitter. Criteria: ACMG Guidelines, 2015. Collection method: not provided. Allele origin: germline. Inheritance: Autosomal recessive inheritance. Affected: yes.

PreventionGenetics, part of Exact Sciences
Classification: Likely benign. Review status: criteria provided, single submitter. Criteria: ACMG Guidelines, 2015. Collection method: clinical testing. Allele origin: germline.